The following is an entry in ClinVar:

ClinVar aggregate classification (germline): Benign. Review status: criteria provided, multiple submitters, no conflicts (2 of 4 stars). 3 submissions from 3 submitters: Benign (2). 1 of the submissions does not count toward it. Last evaluated 2026-09-01.

Conditions:
HDAC4-related disorder. Also called: HDAC4-related condition.

Allele frequency attached by ClinVar (database versions not stated): gnomAD exomes 0.00024 and 0.00059; ExAC 0.00075; ESP Exome Variant Server 0.00177; 1000 Genomes Project 0.00180; gnomAD 0.00180 and 0.00197; TOPMed 0.00214; 1000 Genomes Project 30x 0.00219.
gnomAD v4.1: 642 of 1,613,958 alleles (0.04%); highest among the groups gnomAD compares: African/African-American, 0.58%; 3 homozygotes.

Submissions (3):

CeGaT Center for Human Genetics Tuebingen
Classification: Benign. Last evaluated: 2026-09-01. Review status: criteria provided, single submitter. Criteria: CeGaT Center For Human Genetics Tuebingen Variant Classification Criteria Version 2. Collection method: clinical testing. Allele origin: germline. Affected: yes. Observed: 2 variant alleles.
Comment: HDAC4: BS1, BS2

Labcorp Genetics (formerly Invitae), Labcorp
Classification: Benign. Last evaluated: 2025-12-16. Review status: criteria provided, single submitter. Criteria: Invitae Variant Classification Sherloc (09022015). Collection method: clinical testing. Allele origin: germline.

PreventionGenetics, part of Exact Sciences
Classification: Likely benign for HDAC4-related condition. Last evaluated: 2020-02-07. Review status: no assertion criteria provided. Collection method: clinical testing. Allele origin: germline. Not counted in ClinVar's aggregate classification.
Comment: This variant is classified as likely benign based on ACMG/AMP sequence variant interpretation guidelines (Richards et al. 2015 PMID: 25741868, with internal and published modifications).

NM_001378414.1(HDAC4):c.959T>C (p.Val320Ala)

Gene: HDAC4 (histone deacetylase 4; minus strand). Cytogenetic location: 2q37.3.
Variant type: single nucleotide variant.
Coding change: c.959T>C on transcript NM_001378414.1 (MANE Select); coding-DNA position 959, T replaced by C.
Protein change: p.Val320Ala; replaces valine 320 with alanine.
Molecular consequence: missense variant.
Genome position (GRCh38, 1-based): chr2:239,139,703, A>G on the plus strand (T>C on the coding strand, the complement: HDAC4 is on the minus strand). VCF-style: chr2-239139703-A-G. GRCh37 (hg19) VCF-style: chr2-240061399-A-G.
Other names: c.959T>C, p.Val320Ala (NM_001378415.1, NM_001378416.1, NM_001378417.1 and 1 more transcripts); short protein forms V320A.
Identifiers: ClinVar variation 707344 (VCV000707344.32), dbSNP rs144813118, ClinGen allele CA2199991.